The following is an entry in ClinVar:

NM_032119.4(ADGRV1):c.4666G>A (p.Glu1556Lys)

Gene: ADGRV1 (adhesion G protein-coupled receptor V1; plus strand). Cytogenetic location: 5q14.3.
Variant type: single nucleotide variant.
Coding change: c.4666G>A on transcript NM_032119.4 (MANE Select); coding-DNA position 4666, G replaced by A.
Protein change: p.Glu1556Lys; replaces glutamic acid 1556 with lysine.
Molecular consequence: missense variant. On other transcripts: non-coding transcript variant (1).
Genome position (GRCh38, 1-based): chr5:90,658,192, G>A. VCF-style: chr5-90658192-G-A. GRCh37 (hg19) VCF-style: chr5-89954009-G-A.
Other names: short protein forms E1556K.
Identifiers: ClinVar variation 195624 (VCV000195624.28), dbSNP rs200955930, ClinGen allele CA242100.

ClinVar aggregate classification (germline): Conflicting classifications of pathogenicity. Review status: criteria provided, conflicting classifications (1 of 4 stars). 11 submissions from 11 submitters: Uncertain significance (6); Benign (1); Likely benign (2). 2 of the submissions do not count toward it. Last evaluated 2026-05-18.

Conditions:
ADGRV1-related disorder. Also called: ADGRV1-related condition; ADGRV1-related disorders.
Usher syndrome type 2C. Also called: Usher syndrome, type 2B; USHER SYNDROME, TYPE IIC. Identifiers: Orphanet 231178, Orphanet 886, MedGen C2931213, MONDO:0011558, OMIM 605472.

Allele frequency attached by ClinVar (database versions not stated): gnomAD 0.00044 and 0.00046; TOPMed 0.00046; ESP Exome Variant Server 0.00042; gnomAD exomes 0.00063 and 0.00076; ExAC 0.00075; 1000 Genomes Project 0.00080; 1000 Genomes Project 30x 0.00109.
gnomAD v4.1: 1,162 of 1,584,604 alleles (0.073%); highest among the groups gnomAD compares: Middle Eastern, 0.14%; no homozygotes.

Submissions (11):

Women's Health and Genetics/Laboratory Corporation of America, LabCorp
Classification: Uncertain significance. Last evaluated: 2026-05-18. Review status: criteria provided, single submitter. Criteria: LabCorp Variant Classification Summary - May 2015. Collection method: clinical testing. Allele origin: germline.
Comment: Variant summary: ADGRV1 c.4666G>A (p.Glu1556Lys) results in a conservative amino acid change in the encoded protein sequence. Algorithms developed to predict the effect of missense changes on protein structure and function all suggest that this variant is likely to be tolerated. The variant allele was found at a frequency of 0.00063 in 232038 control chromosomes. This frequency is not significantly higher than estimated for disease-causing variants in ADGRV1, allowing no conclusion about variant significance. c.4666G>A has been observed in the simple heterozygous state in at least 1 individual(s) affected with ADGRV1-related conditions (example, Bertrand_2021), without strong evidence for causality. These report(s) do not provide unequivocal conclusions about association of the variant with disease. To our knowledge, no experimental evidence demonstrating an impact on protein function has been reported. The following publication has been ascertained in the context of this evaluation (PMID: 33077892). ClinVar contains an entry for this variant (Variation ID: 195624). Based on the evidence outlined above, the variant was classified as uncertain significance.

PreventionGenetics, part of Exact Sciences
Classification: Uncertain significance for ADGRV1-related condition. Last evaluated: 2026-03-18. Review status: criteria provided, single submitter. Criteria: ACMG Guidelines, 2015. Collection method: clinical testing. Allele origin: germline.
Comment: The ADGRV1 c.4666G>A variant is predicted to result in the amino acid substitution p.Glu1556Lys. To our knowledge, this variant has not been reported in the literature. This variant is reported in 0.089% of alleles in individuals of European (Non-Finnish) descent in gnomAD, which may be too frequent to be a primary cause of disease. Although we suspect that this variant may be benign, the clinical significance of this variant is uncertain at this time due to the absence of conclusive functional and genetic evidence.

Labcorp Genetics (formerly Invitae), Labcorp
Classification: Benign. Last evaluated: 2026-01-23. Review status: criteria provided, single submitter. Criteria: Invitae Variant Classification Sherloc (09022015). Collection method: clinical testing. Allele origin: germline.

Blueprint Genetics
Classification: Likely benign. Last evaluated: 2024-11-18. Review status: criteria provided, single submitter. Criteria: ACMG Guidelines, 2015. Collection method: clinical testing. Allele origin: germline.

Athena Diagnostics
Classification: Uncertain significance. Last evaluated: 2021-11-02. Review status: criteria provided, single submitter. Criteria: Athena Diagnostics Criteria. Collection method: clinical testing. Allele origin: unknown.

GeneDx
Classification: Likely benign. Last evaluated: 2021-01-26. Review status: criteria provided, single submitter. Criteria: GeneDx Variant Classification Process June 2021. Collection method: clinical testing. Allele origin: germline. Affected: yes.

Illumina Laboratory Services, Illumina
Classification: Uncertain significance for Usher syndrome type 2C. Last evaluated: 2018-01-12. Review status: criteria provided, single submitter. Criteria: ICSL Variant Classification Criteria 13 December 2019. Collection method: clinical testing. Allele origin: germline.

Laboratory for Molecular Medicine, Mass General Brigham Personalized Medicine
Classification: Uncertain significance. Last evaluated: 2017-06-06. Review status: criteria provided, single submitter. Criteria: LMM Criteria. Collection method: clinical testing. Allele origin: germline. Observed: 1 variant allele.
Comment: Variant classified as Uncertain Significance - Favor Benign. The p.Glu1556Lys va riant in GPR98 has not been previously reported in the literature, but has been reported in ClinVar (Variation ID:195624). This variant has been identified in 0 .09% (110/120782) of European chromosomes by the Genome Aggregation Database (gn omAD; dbSNP rs200955930). Although this varian t has been seen in the general population, its frequency is not high enough to r ule out a pathogenic role. Computational prediction tools and conservation analy ses suggest that this variant may not impact the protein, though this informatio n is not predictive enough to rule out pathogenicity. The glutamic acid (Glu) at position 1556 is not highly conserved in mammals and evolutionary distant speci es, and 2 mammals (mouse and opossum) carry a lysine (Lys), raising the possibil ity that this change at this position may be tolerated. In summary, while the cl inical significance of the p.Glu1556Lys variant is uncertain, these data suggest that it is more likely to be benign.

Eurofins Ntd Llc (ga)
Classification: Uncertain significance. Last evaluated: 2015-04-02. Review status: criteria provided, single submitter. Criteria: EGL Classification Definitions 2015. Collection method: clinical testing. Allele origin: germline. Observed: 2 variant alleles, 2 heterozygotes.

Clinical Genetics DNA and cytogenetics Diagnostics Lab, Erasmus MC, Erasmus Medical Center
Classification: Uncertain significance. Review status: no assertion criteria provided. Collection method: clinical testing. Allele origin: germline. Affected: yes. Study: VKGL Data-share Consensus. Not counted in ClinVar's aggregate classification.

Clinical Genetics, Academic Medical Center
Classification: Uncertain significance. Review status: no assertion criteria provided. Collection method: clinical testing. Allele origin: germline. Affected: yes. Study: VKGL Data-share Consensus. Not counted in ClinVar's aggregate classification.

Literature cited by the submitters: PubMed 33077892 (cited by Women's Health and Genetics/Laboratory Corporation of America, LabCorp).